The following is an entry in ClinVar:

ClinVar aggregate classification (germline): Uncertain significance (1 of 4 stars; one submission).

Submission:

GeneDx
Classification: Uncertain significance. Last evaluated: 2026-04-10. Review status: criteria provided, single submitter. Criteria: GeneDx Variant Classification Process June 2021. Collection method: clinical testing. Allele origin: germline.
Comment: Not observed at significant frequency in large population cohorts (gnomAD); In silico analysis supports that this missense variant has a deleterious effect on protein structure/function; Has not been previously published as pathogenic or benign to our knowledge

NM_207037.2(TCF12):c.747T>A (p.Phe249Leu)

Gene: TCF12 (transcription factor 12; plus strand). Cytogenetic location: 15q21.3.
Variant type: single nucleotide variant.
Coding change: c.747T>A on transcript NM_207037.2 (MANE Select); coding-DNA position 747, T replaced by A.
Protein change: p.Phe249Leu; replaces phenylalanine 249 with leucine.
Molecular consequence: missense variant. On other transcripts: intron variant (1).
Genome position (GRCh38, 1-based): chr15:57,232,352, T>A. VCF-style: chr15-57232352-T-A. GRCh37 (hg19) VCF-style: chr15-57524550-T-A.
Other names: c.783T>A, p.Phe261Leu (NM_001322164.2); c.747T>A, p.Phe249Leu (NM_001322165.2, NM_003205.4, NM_207036.2 and 7 more transcripts); c.237T>A, p.Phe79Leu (NM_207040.2, NM_001306219.3); c.118-360T>A (NM_001306220.3); c.90T>A, p.Phe30Leu (NM_001322154.2); c.573T>A, p.Phe191Leu (NM_001322156.2, NM_001322158.2); short protein forms F191L, F249L, F261L, F30L, F79L.
Identifiers: ClinVar variation 5016758 (VCV005016758.1).